The following is an entry in ClinVar:

ClinVar aggregate classification (germline): Uncertain significance. Review status: criteria provided, multiple submitters, no conflicts (2 of 4 stars). 3 submissions from 3 submitters: Uncertain significance (3). Last evaluated 2021-09-10.

Conditions:
Autosomal recessive spastic paraplegia type 78. Identifiers: Orphanet 513436, MedGen C5567893, MONDO:0014975, OMIM 617225.
Kufor-Rakeb syndrome (KRS). Also called: PARKINSON DISEASE 9, AUTOSOMAL RECESSIVE, JUVENILE-ONSET. Identifiers: Orphanet 306674, Orphanet 314632, MedGen C1847640, MONDO:0011706, OMIM 606693.
Inborn genetic diseases. Identifiers: MedGen C0950123, MeSH D030342.

Allele frequency attached by ClinVar (database versions not stated): gnomAD exomes below 0.00001.
gnomAD v4.1: 2 of 1,612,162 alleles (0.00012%); highest among the groups gnomAD compares: South Asian, 0.0022%; no homozygotes.

Submissions (3):

Labcorp Genetics (formerly Invitae), Labcorp
Classification: Uncertain significance for Kufor-Rakeb syndrome; Autosomal recessive spastic paraplegia type 78. Last evaluated: 2021-09-10. Review status: criteria provided, single submitter. Criteria: Invitae Variant Classification Sherloc (09022015). Collection method: clinical testing. Allele origin: germline.
Comment: This sequence change replaces leucine with phenylalanine at codon 1101 of the ATP13A2 protein (p.Leu1101Phe). The leucine residue is weakly conserved and there is a small physicochemical difference between leucine and phenylalanine. In summary, the available evidence is currently insufficient to determine the role of this variant in disease. Therefore, it has been classified as a Variant of Uncertain Significance. Advanced modeling of protein sequence and biophysical properties (such as structural, functional, and spatial information, amino acid conservation, physicochemical variation, residue mobility, and thermodynamic stability) performed at Invitae indicates that this missense variant is not expected to disrupt ATP13A2 protein function. ClinVar contains an entry for this variant (Variation ID: 293768). This variant has not been reported in the literature in individuals affected with ATP13A2-related conditions. This variant is not present in population databases (ExAC no frequency).

Illumina Laboratory Services, Illumina
Classification: Uncertain significance for Kufor-Rakeb syndrome. Last evaluated: 2018-01-12. Review status: criteria provided, single submitter. Criteria: ICSL Variant Classification Criteria 13 December 2019. Collection method: clinical testing. Allele origin: germline.

Ambry Genetics
Classification: Uncertain significance for Inborn genetic diseases. Last evaluated: 2017-09-21. Review status: criteria provided, single submitter. Criteria: Ambry Variant Classification Scheme 2023. Collection method: clinical testing. Allele origin: germline.
Comment: The p.L1101F variant (also known as c.3301C>T), located in coding exon 28 of the ATP13A2 gene, results from a C to T substitution at nucleotide position 3301. The leucine at codon 1101 is replaced by phenylalanine, an amino acid with highly similar properties. This amino acid position is not well conserved in available vertebrate species. In addition, this alteration is predicted to be tolerated by in silico analysis. Since supporting evidence is limited at this time, the clinical significance of this alteration remains unclear.

NM_022089.4(ATP13A2):c.3301C>T (p.Leu1101Phe)

Gene: ATP13A2 (ATPase cation transporting 13A2; minus strand). Cytogenetic location: 1p36.13.
Variant type: single nucleotide variant.
Coding change: c.3301C>T on transcript NM_022089.4 (MANE Select); coding-DNA position 3301, C replaced by T.
Protein change: p.Leu1101Phe; replaces leucine 1101 with phenylalanine.
Molecular consequence: missense variant. On other transcripts: intron variant (1).
Genome position (GRCh38, 1-based): chr1:16,986,567, G>A on the plus strand (C>T on the coding strand, the complement: ATP13A2 is on the minus strand). VCF-style: chr1-16986567-G-A. GRCh37 (hg19) VCF-style: chr1-17313062-G-A.
Other names: c.3286C>T, p.Leu1096Phe (NM_001141973.3); c.3104-209C>T (NM_001141974.3); short protein forms L1101F, L1096F.
Identifiers: ClinVar variation 293768 (VCV000293768.12), dbSNP rs886045577, ClinGen allele CA10608740.